The following is an entry in ClinVar:

ClinVar aggregate classification (germline): Conflicting classifications of pathogenicity. Review status: criteria provided, conflicting classifications (1 of 4 stars). 4 submissions from 4 submitters: Uncertain significance (2); Benign (1); Likely benign (1). Last evaluated 2025-06-24.

Conditions:
Hemolytic anemia due to glucophosphate isomerase deficiency (CNSHA4). Also called: ANEMIA, CONGENITAL, NONSPHEROCYTIC HEMOLYTIC, 4. Identifiers: Orphanet 712, MedGen C0272064, MONDO:0013275, OMIM 613470.

Allele frequency attached by ClinVar (database versions not stated): ESP Exome Variant Server 0.00015; 1000 Genomes Project 30x 0.00016; 1000 Genomes Project 0.00020; TOPMed 0.00026; gnomAD 0.00036; ExAC 0.00094.
gnomAD v4.1: 693 of 1,614,088 alleles (0.043%); highest among the groups gnomAD compares: Non-Finnish European, 0.044%; 3 homozygotes.

Submissions (4):

Mayo Clinic Laboratories, Mayo Clinic
Classification: Likely benign. Last evaluated: 2025-06-24. Review status: criteria provided, single submitter. Criteria: ACMG Guidelines, 2015. Collection method: clinical testing. Allele origin: germline. Observed: 1 variant allele.
Comment: BS2, BP4_moderate

Revvity Omics, Revvity
Classification: Uncertain significance for Hemolytic anemia due to glucophosphate isomerase deficiency. Last evaluated: 2024-09-11. Review status: criteria provided, single submitter. Criteria: ACMG Guidelines, 2015. Collection method: clinical testing. Allele origin: germline.

Labcorp Genetics (formerly Invitae), Labcorp
Classification: Benign. Last evaluated: 2023-12-01. Review status: criteria provided, single submitter. Criteria: Invitae Variant Classification Sherloc (09022015). Collection method: clinical testing. Allele origin: germline.

ARUP Laboratories, Molecular Genetics and Genomics, ARUP Laboratories
Classification: Uncertain significance for Hemolytic anemia due to glucophosphate isomerase deficiency. Last evaluated: 2023-10-13. Review status: criteria provided, single submitter. Criteria: ARUP Molecular Germline Variant Investigation Process 2024. Collection method: clinical testing. Allele origin: germline.

NM_000175.5(GPI):c.1366C>G (p.Pro456Ala)

Gene: GPI (glucose-6-phosphate isomerase; plus strand). Cytogenetic location: 19q13.11.
Variant type: single nucleotide variant.
Coding change: c.1366C>G on transcript NM_000175.5 (MANE Select); coding-DNA position 1366, C replaced by G.
Protein change: p.Pro456Ala; replaces proline 456 with alanine.
Molecular consequence: missense variant.
Genome position (GRCh38, 1-based): chr19:34,399,303, C>G. VCF-style: chr19-34399303-C-G. GRCh37 (hg19) VCF-style: chr19-34890208-C-G.
Other names: p.Pro456Ala; c.1399C>G, p.Pro467Ala (NM_001184722.1); c.1483C>G, p.Pro495Ala (NM_001289789.1); c.1282C>G, p.Pro428Ala (NM_001289790.3); c.1366C>G, p.Pro456Ala (NM_001329909.1, NM_001329910.1); c.1339C>G, p.Pro447Ala (NM_001329911.2); short protein forms P428A, P447A, P456A, P467A, P495A.
Identifiers: ClinVar variation 2432245 (VCV002432245.8), dbSNP rs139853344, ClinGen allele CA9367426.